The following is an entry in ClinVar:

ClinVar aggregate classification (germline): Uncertain significance (1 of 4 stars; one submission).

Submission:

Labcorp Genetics (formerly Invitae), Labcorp
Classification: Uncertain significance. Last evaluated: 2024-04-04. Review status: criteria provided, single submitter. Criteria: Invitae Variant Classification Sherloc (09022015). Collection method: clinical testing. Allele origin: germline.
Comment: This sequence change replaces leucine, which is neutral and non-polar, with valine, which is neutral and non-polar, at codon 465 of the ARHGEF1 protein (p.Leu465Val). This variant is not present in population databases (gnomAD no frequency). This variant has not been reported in the literature in individuals affected with ARHGEF1-related conditions. An algorithm developed to predict the effect of missense changes on protein structure and function (PolyPhen-2) suggests that this variant is likely to be tolerated. In summary, the available evidence is currently insufficient to determine the role of this variant in disease. Therefore, it has been classified as a Variant of Uncertain Significance.

NM_004706.4(ARHGEF1):c.1348C>G (p.Leu450Val)

Gene: ARHGEF1 (Rho guanine nucleotide exchange factor 1; plus strand). Cytogenetic location: 19q13.2.
Variant type: single nucleotide variant.
Coding change: c.1348C>G on transcript NM_004706.4 (MANE Select); coding-DNA position 1348, C replaced by G.
Protein change: p.Leu450Val; replaces leucine 450 with valine.
Molecular consequence: missense variant. On other transcripts: non-coding transcript variant (2).
Genome position (GRCh38, 1-based): chr19:41,901,967, C>G. VCF-style: chr19-41901967-C-G. GRCh37 (hg19) VCF-style: chr19-42406117-C-G.
Other names: c.1516C>G, p.Leu506Val (NM_001396000.1); c.1249C>G, p.Leu417Val (NM_001396002.1, NM_001396004.1, NM_198977.2); c.1348C>G, p.Leu450Val (NM_001396003.1, NM_001396006.1); c.1393C>G, p.Leu465Val (NM_199002.2); short protein forms L465V, L506V, L417V, L450V.
Identifiers: ClinVar variation 3675140 (VCV003675140.2).
Genomic context (GRCh38, chr19:41,901,967, plus strand): 5'-GCCCACGTGCGCATGCTGCGGGTGCTGCACGACCTCTTCTTCCAGCCCATGGCAGAATGC[C>G]TGTTCTTCCCCTTGGAGGAGCTGCAGAACATCTTCCCCAGCCTGGACGAGCTCATCGAGG-3'
Protein context (NP_004697.2, residues 440-460): DLFFQPMAEC[Leu450Val]FFPLEELQNI